The following is an entry in ClinVar:

NM_001031689.3(PLAA):c.2294C>A (p.Ser765Tyr)

Gene: PLAA (phospholipase A2 activating protein; minus strand). Cytogenetic location: 9p21.2.
Variant type: single nucleotide variant.
Coding change: c.2294C>A on transcript NM_001031689.3 (MANE Select); coding-DNA position 2294, C replaced by A.
Protein change: p.Ser765Tyr; replaces serine 765 with tyrosine.
Molecular consequence: missense variant.
Genome position (GRCh38, 1-based): chr9:26,905,605, G>T on the plus strand (C>A on the coding strand, the complement: PLAA is on the minus strand). VCF-style: chr9-26905605-G-T. GRCh37 (hg19) VCF-style: chr9-26905603-G-T.
Other names: c.2225C>A, p.Ser742Tyr (NM_001321546.2); c.2294C>A (NM_001031689.2); short protein forms S765Y, S742Y.
Identifiers: ClinVar variation 1370231 (VCV001370231.6), dbSNP rs777597597, ClinGen allele CA5014150.

ClinVar aggregate classification (germline): Uncertain significance. Review status: criteria provided, multiple submitters, no conflicts (2 of 4 stars). 2 submissions from 2 submitters: Uncertain significance (2). Last evaluated 2022-09-22.

Conditions:
Inborn genetic diseases. Identifiers: MedGen C0950123, MeSH D030342.

Allele frequency attached by ClinVar (database versions not stated): ExAC 0.00001; gnomAD exomes 0.00002; TOPMed 0.00003; gnomAD 0.00004.
gnomAD v4.1: 30 of 1,613,842 alleles (0.0019%); highest among the groups gnomAD compares: African/African-American, 0.0093%; no homozygotes.

Submissions (2):

Ambry Genetics
Classification: Uncertain significance for Inborn genetic diseases. Last evaluated: 2022-09-22. Review status: criteria provided, single submitter. Criteria: Ambry Variant Classification Scheme 2023. Collection method: clinical testing. Allele origin: germline.

Labcorp Genetics (formerly Invitae), Labcorp
Classification: Uncertain significance. Last evaluated: 2021-12-21. Review status: criteria provided, single submitter. Criteria: Invitae Variant Classification Sherloc (09022015). Collection method: clinical testing. Allele origin: germline.
Comment: This sequence change replaces serine, which is neutral and polar, with tyrosine, which is neutral and polar, at codon 765 of the PLAA protein (p.Ser765Tyr). This variant is present in population databases (rs777597597, gnomAD 0.01%). This variant has not been reported in the literature in individuals affected with PLAA-related conditions. Algorithms developed to predict the effect of missense changes on protein structure and function are either unavailable or do not agree on the potential impact of this missense change (SIFT: "Tolerated"; PolyPhen-2: "Probably Damaging"; Align-GVGD: "Class C0"). In summary, the available evidence is currently insufficient to determine the role of this variant in disease. Therefore, it has been classified as a Variant of Uncertain Significance.